The following is an entry in ClinVar:

NM_000443.4(ABCB4):c.3280-24T>C

Gene: ABCB4 (ATP binding cassette subfamily B member 4; minus strand). Cytogenetic location: 7q21.12.
Variant type: single nucleotide variant.
Coding change: c.3280-24T>C on transcript NM_000443.4 (MANE Select); 24 bases into the intron before coding-DNA position 3280, T replaced by C.
Molecular consequence: intron variant.
Genome position (GRCh38, 1-based): chr7:87,406,518, A>G on the plus strand (T>C on the coding strand, the complement: ABCB4 is on the minus strand). VCF-style: chr7-87406518-A-G. GRCh37 (hg19) VCF-style: chr7-87035834-A-G.
Other names: c.3139-24T>C (NM_018850.3); c.3280-3T>C (NM_018849.3).
Identifiers: ClinVar variation 515898 (VCV000515898.1), dbSNP rs753672621, ClinGen allele CA4326802.

ClinVar aggregate classification (germline): Likely benign (1 of 4 stars; one submission).

Allele frequency attached by ClinVar (database versions not stated): ExAC 0.00002; gnomAD 0.00002; gnomAD exomes 0.00002 and 0.00011; TOPMed 0.00003.
gnomAD v4.1: 153 of 1,613,196 alleles (0.0095%); highest among the groups gnomAD compares: Non-Finnish European, 0.013%; no homozygotes.

Submission:

GeneDx
Classification: Likely benign. Last evaluated: 2018-03-08. Review status: criteria provided, single submitter. Criteria: GeneDx Variant Classification (06012015). Collection method: clinical testing. Allele origin: germline. Affected: yes.
Comment: This variant is considered likely benign or benign based on one or more of the following criteria: it is a conservative change, it occurs at a poorly conserved position in the protein, it is predicted to be benign by multiple in silico algorithms, and/or has population frequency not consistent with disease.